The following is an entry in ClinVar:

ClinVar aggregate classification (germline): Likely pathogenic (1 of 4 stars; one submission).

Submission:

GeneDx
Classification: Likely pathogenic. Last evaluated: 2024-03-25. Review status: criteria provided, single submitter. Criteria: GeneDx Variant Classification Process June 2021. Collection method: clinical testing. Allele origin: germline. Affected: yes.
Comment: Not observed at significant frequency in large population cohorts (gnomAD); Missense variants in this gene are a common cause of disease and they are underrepresented in the general population; In silico analysis supports that this missense variant has a deleterious effect on protein structure/function; Has not been previously published as pathogenic or benign to our knowledge; This variant is associated with the following publications: (PMID: 29493581)

NM_004333.6(BRAF):c.2132T>C (p.Leu711Pro)

Gene: BRAF (B-Raf proto-oncogene, serine/threonine kinase; minus strand). Cytogenetic location: 7q34.
Variant type: single nucleotide variant.
Coding change: c.2132T>C on transcript NM_004333.6 (MANE Select); coding-DNA position 2132, T replaced by C.
Protein change: p.Leu711Pro; replaces leucine 711 with proline.
Molecular consequence: missense variant. On other transcripts: intron variant (2).
Genome position (GRCh38, 1-based): chr7:140,734,766, A>G on the plus strand (T>C on the coding strand, the complement: BRAF is on the minus strand). VCF-style: chr7-140734766-A-G. GRCh37 (hg19) VCF-style: chr7-140434566-A-G.
Other names: c.2132T>C, p.Leu711Pro (NM_001354609.2); c.2252T>C, p.Leu751Pro (NM_001374244.1, NM_001374258.1); c.2141T>C, p.Leu714Pro (NM_001378467.1); c.2066T>C, p.Leu689Pro (NM_001378469.1); c.2030T>C, p.Leu677Pro (NM_001378470.1); c.2021T>C, p.Leu674Pro (NM_001378471.1); c.1976T>C, p.Leu659Pro (NM_001378472.1, NM_001378473.1); c.1868T>C, p.Leu623Pro (NM_001378475.1); and 1 more; short protein forms L623P, L659P, L674P, L677P, L689P, L711P, L714P, L751P.
Identifiers: ClinVar variation 3343956 (VCV003343956.1).